The following is an entry in ClinVar:

ClinVar aggregate classification (germline): Pathogenic/Likely pathogenic. Review status: criteria provided, multiple submitters, no conflicts (2 of 4 stars). 2 submissions from 2 submitters: Pathogenic (1); Likely pathogenic (1). Last evaluated 2023-01-14.

Conditions:
Rhabdoid tumor predisposition syndrome 2 (RTPS2). Identifiers: Orphanet 231108, Orphanet 69077, MedGen C2750074, MONDO:0013224, OMIM 613325.

Submissions (2):

Labcorp Genetics (formerly Invitae), Labcorp
Classification: Pathogenic for Rhabdoid tumor predisposition syndrome 2. Last evaluated: 2023-01-14. Review status: criteria provided, single submitter. Criteria: Invitae Variant Classification Sherloc (09022015). Collection method: clinical testing. Allele origin: germline.
Comment: This variant is not present in population databases (gnomAD no frequency). This sequence change creates a premature translational stop signal (p.Gln470*) in the SMARCA4 gene. It is expected to result in an absent or disrupted protein product. Loss-of-function variants in SMARCA4 are known to be pathogenic (PMID: 24658001, 24658002). ClinVar contains an entry for this variant (Variation ID: 537800). This variant has not been reported in the literature in individuals affected with SMARCA4-related conditions. For these reasons, this variant has been classified as Pathogenic.

Baylor Genetics
Classification: Likely pathogenic for Rhabdoid tumor predisposition syndrome 2. Last evaluated: 2021-08-23. Review status: criteria provided, single submitter. Criteria: ACMG Guidelines, 2015. Collection method: clinical testing. Allele origin: unknown.

Literature cited by the submitters: PubMed 24658001 (cited by Labcorp Genetics (formerly Invitae), Labcorp); PubMed 24658002 (cited by Labcorp Genetics (formerly Invitae), Labcorp).

NM_003072.5(SMARCA4):c.1408C>T (p.Gln470Ter)

Gene: SMARCA4 (SWI/SNF related BAF chromatin remodeling complex subunit ATPase 4; plus strand). Cytogenetic location: 19p13.2.
Variant type: single nucleotide variant.
Coding change: c.1408C>T on transcript NM_003072.5 (MANE Select); coding-DNA position 1408, C replaced by T.
Protein change: p.Gln470Ter; replaces glutamine 470 with a stop codon.
Molecular consequence: nonsense. On other transcripts: non-coding transcript variant (1).
Genome position (GRCh38, 1-based): chr19:10,991,312, C>T. VCF-style: chr19-10991312-C-T. GRCh37 (hg19) VCF-style: chr19-11101988-C-T.
Other names: c.1408C>T, p.Gln470Ter (NM_001128844.3, NM_001128845.2, NM_001128846.2 and 5 more transcripts); short protein forms Q470*.
Identifiers: ClinVar variation 537800 (VCV000537800.7), dbSNP rs1555757738, ClinGen allele CA404061122.